The following is an entry in ClinVar:

NM_003978.5(PSTPIP1):c.36+15T>C

Gene: PSTPIP1 (proline-serine-threonine phosphatase interacting protein 1; plus strand). Cytogenetic location: 15q24.3.
Variant type: single nucleotide variant.
Coding change: c.36+15T>C on transcript NM_003978.5 (MANE Select); 15 bases into the intron after coding-DNA position 36, T replaced by C.
Molecular consequence: intron variant.
Genome position (GRCh38, 1-based): chr15:76,995,624, T>C. VCF-style: chr15-76995624-T-C. GRCh37 (hg19) VCF-style: chr15-77287965-T-C.
Other names: c.36+15T>C (LRG_172t1, NM_001321135.2); c.231+15T>C (NM_001321137.1); c.-211+15T>C (NM_001321136.2).
Identifiers: ClinVar variation 259210 (VCV000259210.6), dbSNP rs752123803, ClinGen allele CA7675652.

ClinVar aggregate classification (germline): Likely benign. Review status: criteria provided, multiple submitters, no conflicts (2 of 4 stars). 3 submissions from 3 submitters: Likely benign (3). Last evaluated 2025-12-24.

Conditions:
Pyogenic arthritis-pyoderma gangrenosum-acne syndrome (PAPA). Also called: PAPA SYNDROME; FAMILIAL RECURRENT ARTHRITIS. Identifiers: Orphanet 69126, MedGen C1858361, MONDO:0011462, OMIM 604416.

Allele frequency attached by ClinVar (database versions not stated): ExAC 0.00001; gnomAD exomes below 0.00001 and 0.00001.
gnomAD v4.1: 10 of 1,612,938 alleles (0.00062%); highest among the groups gnomAD compares: South Asian, 0.0022%; no homozygotes.

Submissions (3):

Labcorp Genetics (formerly Invitae), Labcorp
Classification: Likely benign for Pyogenic arthritis-pyoderma gangrenosum-acne syndrome. Last evaluated: 2025-12-24. Review status: criteria provided, single submitter. Criteria: Invitae Variant Classification Sherloc (09022015). Collection method: clinical testing. Allele origin: germline.

GeneDx
Classification: Likely benign. Last evaluated: 2018-06-01. Review status: criteria provided, single submitter. Criteria: GeneDx Variant Classification (06012015). Collection method: clinical testing. Allele origin: germline. Affected: yes.
Comment: This variant is considered likely benign or benign based on one or more of the following criteria: it is a conservative change, it occurs at a poorly conserved position in the protein, it is predicted to be benign by multiple in silico algorithms, and/or has population frequency not consistent with disease.

PreventionGenetics, part of Exact Sciences
Classification: Likely benign. Review status: criteria provided, single submitter. Criteria: ACMG Guidelines, 2015. Collection method: clinical testing. Allele origin: germline.